The following is an entry in ClinVar:

NM_001367873.1(SOX6):c.1962C>T (p.Ile654=)

Gene: SOX6 (SRY-box transcription factor 6; minus strand). Cytogenetic location: 11p15.2.
Variant type: single nucleotide variant.
Coding change: c.1962C>T on transcript NM_001367873.1 (MANE Select); coding-DNA position 1962, C replaced by T.
Protein change: p.Ile654=; no amino-acid change (isoleucine 654 retained).
Molecular consequence: synonymous variant.
Genome position (GRCh38, 1-based): chr11:15,989,001, G>A on the plus strand (C>T on the coding strand, the complement: SOX6 is on the minus strand). VCF-style: chr11-15989001-G-A. GRCh37 (hg19) VCF-style: chr11-16010547-G-A.
Other names: c.2001C>T (NM_001145819.1); c.1881C>T, p.Ile627= (NM_001145811.2, NM_017508.3); c.1962C>T, p.Ile654= (NM_001145819.2); c.1839C>T, p.Ile613= (NM_001367872.1); c.1902C>T, p.Ile634= (NM_033326.3).
Identifiers: ClinVar variation 2695142 (VCV002695142.5), dbSNP rs79556899, ClinGen allele CA5898011.

ClinVar aggregate classification (germline): Benign. Review status: criteria provided, single submitter (1 of 4 stars). 2 submissions from 2 submitters: Benign (1). 1 of the submissions does not count toward it. Last evaluated 2025-05-27.

Conditions:
SOX6-related disorder. Also called: SOX6-related condition.

Allele frequency attached by ClinVar (database versions not stated): 1000 Genomes Project 0.00160; ExAC 0.00035; ESP Exome Variant Server 0.00085; 1000 Genomes Project 30x 0.00156.
gnomAD v4.1: 313 of 1,614,004 alleles (0.019%); highest among the groups gnomAD compares: African/African-American, 0.37%; no homozygotes.

Submissions (2):

Labcorp Genetics (formerly Invitae), Labcorp
Classification: Benign. Last evaluated: 2025-05-27. Review status: criteria provided, single submitter. Criteria: Invitae Variant Classification Sherloc (09022015). Collection method: clinical testing. Allele origin: germline.

PreventionGenetics, part of Exact Sciences
Classification: Likely benign for SOX6-related condition. Last evaluated: 2019-02-21. Review status: no assertion criteria provided. Collection method: clinical testing. Allele origin: germline. Not counted in ClinVar's aggregate classification.
Comment: This variant is classified as likely benign based on ACMG/AMP sequence variant interpretation guidelines (Richards et al. 2015 PMID: 25741868, with internal and published modifications).